The following is an entry in ClinVar:

Conditions:
Breast-ovarian cancer, familial, susceptibility to, 1 (BROVCA1). Also called: BRCA1 Hereditary Breast and Ovarian Cancer; OVARIAN CANCER, SUSCEPTIBILITY TO. Identifiers: Orphanet 145, MedGen C2676676, MONDO:0011450, OMIM 604370. Disease mechanism: loss of function.

Submission:

Brotman Baty Institute, University of Washington
No classification provided (evidence only). Condition: Breast-ovarian cancer, familial 1. Review status: no classification provided. Collection method: in vitro. Allele origin: not applicable. Functional consequence: functionally_normal.
ClinVar note: "not provided" was previously submitted as the classification for the variant. However, the classification appeared to be based only on an observation of functional data so it was converted to no classification on 2025-07-30.

NM_007294.4(BRCA1):c.5121T>A (p.Ile1707=)

Gene: BRCA1 (BRCA1 DNA repair associated; minus strand). Cytogenetic location: 17q21.31.
Variant type: single nucleotide variant.
Coding change: c.5121T>A on transcript NM_007294.4 (MANE Select); coding-DNA position 5121, T replaced by A.
Protein change: p.Ile1707=; no amino-acid change (isoleucine 1707 retained).
Molecular consequence: synonymous variant. On other transcripts: intron variant (2).
Genome position (GRCh38, 1-based): chr17:43,063,905, A>T on the plus strand (T>A on the coding strand, the complement: BRCA1 is on the minus strand). VCF-style: chr17-43063905-A-T. GRCh37 (hg19) VCF-style: chr17-41215922-A-T.
Other names: c.4908T>A, p.Ile1636= (NM_001407571.1, NM_001407894.1, NM_001407895.1 and 12 more transcripts); c.5187T>A, p.Ile1729= (NM_001407581.1, NM_001407582.1); c.5184T>A, p.Ile1728= (NM_001407583.1, NM_001407585.1, NM_001407587.1 and 1 more transcripts); c.5181T>A, p.Ile1727= (NM_001407590.1, NM_001407591.1); c.5121T>A, p.Ile1707= (NM_001407593.1, NM_001407594.1, NM_001407596.1 and 7 more transcripts); c.5118T>A, p.Ile1706= (NM_001407610.1, NM_001407611.1, NM_001407612.1 and 17 more transcripts); c.5115T>A, p.Ile1705= (NM_001407627.1, NM_001407628.1, NM_001407629.1 and 14 more transcripts); c.5112T>A, p.Ile1704= (NM_001407644.1, NM_001407645.1); and 73 more.
Identifiers: ClinVar variation 864978 (VCV000864978.3), dbSNP rs2051918751, ClinGen allele CA500146184.